The following is an entry in ClinVar:

NM_004304.5(ALK):c.2489T>C (p.Met830Thr)

Gene: ALK (ALK receptor tyrosine kinase; minus strand). Cytogenetic location: 2p23.2.
Variant type: single nucleotide variant.
Coding change: c.2489T>C on transcript NM_004304.5 (MANE Select); coding-DNA position 2489, T replaced by C.
Protein change: p.Met830Thr; replaces methionine 830 with threonine.
Molecular consequence: missense variant.
Genome position (GRCh38, 1-based): chr2:29,232,447, A>G on the plus strand (T>C on the coding strand, the complement: ALK is on the minus strand). VCF-style: chr2-29232447-A-G. GRCh37 (hg19) VCF-style: chr2-29455313-A-G.
Other names: short protein forms M830T.
Identifiers: ClinVar variation 569201 (VCV000569201.14), dbSNP rs1417845239, ClinGen allele CA346472066.

ClinVar aggregate classification (germline): Uncertain significance. Review status: criteria provided, multiple submitters, no conflicts (2 of 4 stars). 4 submissions from 4 submitters: Uncertain significance (4). Last evaluated 2026-02-11.

Conditions:
Neuroblastoma, susceptibility to, 3. Also called: ALK-Related Neuroblastic Tumor Susceptibility. Identifiers: Orphanet 635, MedGen C2751681, MONDO:0013083, OMIM 613014.
Hereditary cancer-predisposing syndrome. Also called: Hereditary neoplastic syndrome; Neoplastic Syndromes, Hereditary; Hereditary Cancer Syndrome; Tumor predisposition. Identifiers: Orphanet 140162, MedGen C0027672, MeSH D009386, MONDO:0015356.

Allele frequency attached by ClinVar (database versions not stated): TOPMed 0.00001; gnomAD exomes 0.00003.
gnomAD v4.1: 37 of 1,614,186 alleles (0.0023%); highest among the groups gnomAD compares: Non-Finnish European, 0.0031%; no homozygotes.

Submissions (4):

St. Jude Molecular Pathology, St. Jude Children's Research Hospital
Classification: Uncertain significance for Neuroblastoma, susceptibility to, 3. Last evaluated: 2026-02-11. Review status: criteria provided, single submitter. Criteria: St. Jude Assertion Criteria 2020. Collection method: clinical testing. Allele origin: germline.
Comment: The ALK c.2489T>C p.(Met830Thr) missense change is absent in gnomAD v2.1.1. The in silico tool REVEL predicts a benign effect on protein function, but to our knowledge this prediction has not been confirmed by functional studies. To our knowledge, this variant has not been reported in individuals with ALK-related neuroblastic tumor susceptibility. In summary, the evidence currently available is insufficient to determine the clinical significance of this variant. It has therefore been classified as of uncertain significance.

Labcorp Genetics (formerly Invitae), Labcorp
Classification: Uncertain significance for Neuroblastoma, susceptibility to, 3. Last evaluated: 2025-10-14. Review status: criteria provided, single submitter. Criteria: Invitae Variant Classification Sherloc (09022015). Collection method: clinical testing. Allele origin: germline.
Comment: This sequence change replaces methionine, which is neutral and non-polar, with threonine, which is neutral and polar, at codon 830 of the ALK protein (p.Met830Thr). This variant is not present in population databases (gnomAD no frequency). This variant has not been reported in the literature in individuals affected with ALK-related conditions. ClinVar contains an entry for this variant (Variation ID: 569201). An algorithm developed to predict the effect of missense changes on protein structure and function (PolyPhen-2) suggests that this variant is likely to be disruptive. In summary, the available evidence is currently insufficient to determine the role of this variant in disease. Therefore, it has been classified as a Variant of Uncertain Significance.

Ambry Genetics
Classification: Uncertain significance for Hereditary cancer-predisposing syndrome. Last evaluated: 2025-01-06. Review status: criteria provided, single submitter. Criteria: Ambry Variant Classification Scheme 2023. Collection method: clinical testing. Allele origin: germline.
Comment: The p.M830T variant (also known as c.2489T>C), located in coding exon 15 of the ALK gene, results from a T to C substitution at nucleotide position 2489. The methionine at codon 830 is replaced by threonine, an amino acid with similar properties. This amino acid position is conserved. In addition, this alteration is predicted to be tolerated by in silico analysis. Since supporting evidence is limited at this time, the clinical significance of this alteration remains unclear.

Baylor Genetics
Classification: Uncertain significance for Neuroblastoma, susceptibility to, 3. Last evaluated: 2024-02-19. Review status: criteria provided, single submitter. Criteria: ACMG Guidelines, 2015. Collection method: clinical testing. Allele origin: unknown.